The following is an entry in ClinVar:

NM_001304438.2(TMEM132E):c.1639C>T (p.Arg547Cys)

Gene: TMEM132E (transmembrane protein 132E; plus strand). Cytogenetic location: 17q12.
Variant type: single nucleotide variant.
Coding change: c.1639C>T on transcript NM_001304438.2 (MANE Select); coding-DNA position 1639, C replaced by T.
Protein change: p.Arg547Cys; replaces arginine 547 with cysteine.
Molecular consequence: missense variant.
Genome position (GRCh38, 1-based): chr17:34,632,860, C>T. VCF-style: chr17-34632860-C-T. GRCh37 (hg19) VCF-style: chr17-32959879-C-T.
Other names: short protein forms R547C.
Identifiers: ClinVar variation 4986521 (VCV004986521.1).
Genomic context (GRCh38, chr17:34,632,860, plus strand): 5'-CCCCTGGAAATGACAGTCTGGGTCCCCAAGCTGCCCTTGCACATTGAGCTCTCAGATGCC[C>T]GCCTCAGCCAAGTGAAGGGCTGGAGGGTACCTATCCTCCCCGACCGGAGGTACAGCCCCT-3'
Protein context (NP_001291367.1, residues 537-557): LPLHIELSDA[Arg547Cys]LSQVKGWRVP

ClinVar aggregate classification (germline): Uncertain significance (1 of 4 stars; one submission).

Conditions:
TMEM132E-related disorder. Also called: TMEM132E-related condition.

gnomAD v4.1: 11 of 1,614,050 alleles (0.00068%); highest among the groups gnomAD compares: Middle Eastern, 0.016%; no homozygotes.

Submission:

PreventionGenetics, part of Exact Sciences
Classification: Uncertain significance for TMEM132E-related condition. Last evaluated: 2026-01-23. Review status: criteria provided, single submitter. Criteria: ACMG Guidelines, 2015. Collection method: clinical testing. Allele origin: germline.
Comment: The TMEM132E c.1639C>T variant is predicted to result in the amino acid substitution p.Arg547Cys. To our knowledge, this variant has not been reported in the literature. This variant is reported in 0.0062% of alleles in individuals of African descent in gnomAD. At this time, the clinical significance of this variant is uncertain due to the absence of conclusive functional and genetic evidence.